The following is an entry in ClinVar:

ClinVar aggregate classification (germline): Uncertain significance. Review status: criteria provided, multiple submitters, no conflicts (2 of 4 stars). 3 submissions from 3 submitters: Uncertain significance (2). 1 of the submissions does not count toward it. Last evaluated 2024-10-03.

Conditions:
Retinitis pigmentosa 25 (RP25). Identifiers: Orphanet 791, MedGen C1864446, MONDO:0011272, OMIM 602772.

Allele frequency attached by ClinVar (database versions not stated): gnomAD 0.00001; gnomAD exomes 0.00001; TOPMed 0.00001.
gnomAD v4.1: 10 of 1,545,554 alleles (0.00065%); highest among the groups gnomAD compares: Middle Eastern, 0.017%; no homozygotes.

Submissions (3):

Blueprint Genetics
Classification: Uncertain significance. Last evaluated: 2024-10-03. Review status: criteria provided, single submitter. Criteria: ACMG Guidelines, 2015. Collection method: clinical testing. Allele origin: germline.

Labcorp Genetics (formerly Invitae), Labcorp
Classification: Uncertain significance. Last evaluated: 2022-06-24. Review status: criteria provided, single submitter. Criteria: Invitae Variant Classification Sherloc (09022015). Collection method: clinical testing. Allele origin: germline.
Comment: This sequence change replaces cysteine, which is neutral and slightly polar, with arginine, which is basic and polar, at codon 757 of the EYS protein (p.Cys757Arg). This variant is present in population databases (no rsID available, gnomAD 0.002%). This variant has not been reported in the literature in individuals affected with EYS-related conditions. ClinVar contains an entry for this variant (Variation ID: 1005679). Algorithms developed to predict the effect of missense changes on protein structure and function (SIFT, PolyPhen-2, Align-GVGD) all suggest that this variant is likely to be disruptive. In summary, the available evidence is currently insufficient to determine the role of this variant in disease. Therefore, it has been classified as a Variant of Uncertain Significance.

Natera, Inc.
Classification: Uncertain significance for Retinitis pigmentosa type 25. Last evaluated: 2020-07-31. Review status: no assertion criteria provided. Collection method: clinical testing. Allele origin: germline. Not counted in ClinVar's aggregate classification.

NM_001142800.2(EYS):c.2269T>C (p.Cys757Arg)

Gene: EYS (EGF-like photoreceptor maintenance factor; minus strand). Cytogenetic location: 6q12.
Variant type: single nucleotide variant.
Coding change: c.2269T>C on transcript NM_001142800.2 (MANE Select); coding-DNA position 2269, T replaced by C.
Protein change: p.Cys757Arg; replaces cysteine 757 with arginine.
Molecular consequence: missense variant.
Genome position (GRCh38, 1-based): chr6:64,945,905, A>G on the plus strand (T>C on the coding strand, the complement: EYS is on the minus strand). VCF-style: chr6-64945905-A-G. GRCh37 (hg19) VCF-style: chr6-65655798-A-G.
Other names: c.2269T>C, p.Cys757Arg (NM_001292009.2); short protein forms C757R.
Identifiers: ClinVar variation 1005679 (VCV001005679.8), dbSNP rs1051101987, ClinGen allele CA140384348.